The following is an entry in ClinVar:

NM_000465.4(BARD1):c.215+12C>T

Gene: BARD1 (BRCA1 associated RING domain 1; minus strand). Cytogenetic location: 2q35.
Variant type: single nucleotide variant.
Coding change: c.215+12C>T on transcript NM_000465.4 (MANE Select); 12 bases into the intron after coding-DNA position 215, C replaced by T.
Molecular consequence: intron variant.
Genome position (GRCh38, 1-based): chr2:214,797,049, G>A on the plus strand (C>T on the coding strand, the complement: BARD1 is on the minus strand). VCF-style: chr2-214797049-G-A. GRCh37 (hg19) VCF-style: chr2-215661773-G-A.
Other names: c.215+12C>T (LRG_297t1, NM_001282545.2, NM_001282549.2); c.158+12363C>T (NM_001282548.2); c.159-4604C>T (NM_001282543.2).
Identifiers: ClinVar variation 182023 (VCV000182023.16), dbSNP rs373816832, ClinGen allele CA298428.
Genomic context (GRCh38, chr2:214,797,049, plus strand): 5'-CAACAAGATTACATGATTGTTATCTAGTAAAAAATACAGTTGTACTATATACATCAAACC[G>A]TAATTACTTACCTACAGAAGATGTGCTCACATCCTCCTAAACACACAGGCTCTCTCAGAA-3'

ClinVar aggregate classification (germline): Conflicting classifications of pathogenicity. Review status: criteria provided, conflicting classifications (1 of 4 stars). 7 submissions from 7 submitters: Uncertain significance (1); Benign (2); Likely benign (4). Last evaluated 2026-01-19.

Conditions:
Breast and/or ovarian cancer. Identifiers: MedGen CN221562.
Hereditary cancer-predisposing syndrome. Also called: Tumor predisposition; Hereditary Cancer Syndrome; Hereditary neoplastic syndrome; Neoplastic Syndromes, Hereditary. Identifiers: Orphanet 140162, MedGen C0027672, MeSH D009386, MONDO:0015356.
Familial cancer of breast. Also called: hereditary breast carcinoma; Hereditary breast cancer; BREAST CANCER, FAMILIAL. Identifiers: Orphanet 227535, MedGen C0346153, MONDO:0016419, OMIM 114480. Disease mechanism: loss of function.

Allele frequency attached by ClinVar (database versions not stated): gnomAD exomes 0.00008 and 0.00012; ExAC 0.00015; 1000 Genomes Project 30x 0.00031; ESP Exome Variant Server 0.00038; 1000 Genomes Project 0.00040; gnomAD 0.00045 and 0.00049; TOPMed 0.00049.
gnomAD v4.1: 179 of 1,599,158 alleles (0.011%); highest among the groups gnomAD compares: African/African-American, 0.13%; no homozygotes.

Submissions (7):

Labcorp Genetics (formerly Invitae), Labcorp
Classification: Benign for Familial cancer of breast. Last evaluated: 2026-01-19. Review status: criteria provided, single submitter. Criteria: Invitae Variant Classification Sherloc (09022015). Collection method: clinical testing. Allele origin: germline.

Center for Genomic Medicine, Rigshospitalet, Copenhagen University Hospital
Classification: Likely benign. Last evaluated: 2025-03-04. Review status: criteria provided, single submitter. Criteria: ACMG Guidelines, 2015. Collection method: clinical testing. Allele origin: germline.

CHEO Genetics Diagnostic Laboratory, Children's Hospital of Eastern Ontario
Classification: Likely benign for Breast and/or ovarian cancer. Last evaluated: 2022-11-18. Review status: criteria provided, single submitter. Criteria: ACMG Guidelines, 2015. Collection method: clinical testing. Allele origin: germline.

Blueprint Genetics
Classification: Likely benign. Last evaluated: 2022-10-31. Review status: criteria provided, single submitter. Criteria: ACMG Guidelines, 2015. Collection method: clinical testing. Allele origin: germline.

Ambry Genetics
Classification: Uncertain significance for Hereditary cancer-predisposing syndrome. Last evaluated: 2015-12-05. Review status: criteria provided, single submitter. Criteria: Ambry Variant Classification Scheme 2023. Collection method: clinical testing. Allele origin: germline.
Comment: The c.215+12C>T intronic alteration consists of a C to T substitution 2 nucleotides after coding exon 2 in the BARD1 gene. Based on insufficient or conflicting evidence, the clinical significance of this alteration remains unclear.

Color Diagnostics, LLC DBA Color Health
Classification: Likely benign for Hereditary cancer-predisposing syndrome. Last evaluated: 2015-10-23. Review status: criteria provided, single submitter. Criteria: ACMG Guidelines, 2015. Collection method: clinical testing. Allele origin: germline.

GeneDx
Classification: Benign. Last evaluated: 2014-10-02. Review status: criteria provided, single submitter. Criteria: GeneDx Variant Classification (06012015). Collection method: clinical testing. Allele origin: germline. Affected: yes.
Comment: This variant is considered likely benign or benign based on one or more of the following criteria: it is a conservative change, it occurs at a poorly conserved position in the protein, it is predicted to be benign by multiple in silico algorithms, and/or has population frequency not consistent with disease.